The following is an entry in ClinVar:

NM_000152.5(GAA):c.1345T>C (p.Ser449Pro)

Gene: GAA (alpha glucosidase; plus strand). Cytogenetic location: 17q25.3.
Variant type: single nucleotide variant.
Coding change: c.1345T>C on transcript NM_000152.5 (MANE Select); coding-DNA position 1345, T replaced by C.
Protein change: p.Ser449Pro; replaces serine 449 with proline.
Molecular consequence: missense variant.
Genome position (GRCh38, 1-based): chr17:80,109,963, T>C. VCF-style: chr17-80109963-T-C. GRCh37 (hg19) VCF-style: chr17-78083762-T-C.
Other names: c.1345T>C, p.Ser449Pro (NM_001079803.3, NM_001079804.3, NM_001406741.1 and 1 more transcripts); short protein forms S449P.
Identifiers: ClinVar variation 4876253 (VCV004876253.1).

ClinVar aggregate classification (germline): Uncertain significance (1 of 4 stars; one submission).

Conditions:
Glycogen storage disease, type II (IOPD). Also called: Pompe Disease; CARDIOMEGALIA GLYCOGENICA DIFFUSA; GLYCOGENOSIS, GENERALIZED, CARDIAC FORM; GSD II; POMPE DISEASE, INFANTILE-ONSET; GLYCOGEN STORAGE DISEASE II, INFANTILE-ONSET. Identifiers: Orphanet 365, MedGen C0017921, MONDO:0009290, OMIM 232300.

Submission:

Genomenon, Inc
Classification: Uncertain significance for Glycogen storage disease, type II. Last evaluated: 2026-07-01. Review status: criteria provided, single submitter. Criteria: Genomenon Sequence Variant Interpretation Standards - Updated. Collection method: curation. Allele origin: germline. Affected: yes.
Comment: GAA p.Ser449Pro (c.1345T>C) is a missense variant that changes the amino acid at codon 449 from Serine to Proline. This variant has been observed in at least one proband with a GAA-related disorder in the compound heterozygous and/or homozygous state (PMID:33202836). It is absent or not present at a significant frequency in gnomAD. In silico models predict that this variant is not damaging. In conclusion, we classify GAA p.Ser449Pro (c.1345T>C) as a variant of uncertain significance.

Literature cited by the submitters: PubMed 33202836.